The following is an entry in ClinVar:

NM_000264.5(PTCH1):c.2123C>T (p.Thr708Ile)

Genes: PTCH1 (patched 1; minus strand), LOC100507346 (uncharacterized LOC100507346; plus strand). Cytogenetic location: 9q22.32.
Variant type: single nucleotide variant.
Coding change: c.2123C>T on transcript NM_000264.5 (MANE Select); coding-DNA position 2123, C replaced by T.
Protein change: p.Thr708Ile; replaces threonine 708 with isoleucine.
Molecular consequence: missense variant. On other transcripts: non-coding transcript variant (2).
Genome position (GRCh38, 1-based): chr9:95,468,878, G>A on the plus strand (C>T on the coding strand, the complement: PTCH1 is on the minus strand). VCF-style: chr9-95468878-G-A. GRCh37 (hg19) VCF-style: chr9-98231160-G-A.
Other names: c.1925C>T, p.Thr642Ile (NM_001083602.3); c.2120C>T, p.Thr707Ile (NM_001083603.3); c.1670C>T, p.Thr557Ile (NM_001083604.3, NM_001083605.3, NM_001083606.3 and 1 more transcripts); c.1967C>T, p.Thr656Ile (NM_001354918.2); short protein forms T642I, T708I, T656I, T707I, T557I.
Identifiers: ClinVar variation 409188 (VCV000409188.16), dbSNP rs1060502290, ClinGen allele CA16612767.
Genomic context (GRCh38, chr9:95,468,878, plus strand): 5'-GTACAGGGGGGCTCGAGGCAGTGGAGGCTGGAGTCGGAGAACTGGGAGAGCAGGTCCCTT[G>A]TGGAGCTGGTGCTCTCTGGGCTCTGGCAGCTGAGGGTGTCCTGTGTCACGGTGACGGGCT-3'
Protein context (NP_000255.2, residues 698-718): SCQSPESTSS[Thr708Ile]RDLLSQFSDS

ClinVar aggregate classification (germline): Conflicting classifications of pathogenicity. Review status: criteria provided, conflicting classifications (1 of 4 stars). 2 submissions from 2 submitters: Uncertain significance (1); Likely benign (1). Last evaluated 2025-06-04.

Conditions:
Hereditary cancer-predisposing syndrome. Also called: Hereditary neoplastic syndrome; Neoplastic Syndromes, Hereditary; Tumor predisposition; Hereditary Cancer Syndrome. Identifiers: Orphanet 140162, MedGen C0027672, MeSH D009386, MONDO:0015356.
Gorlin syndrome. Also called: Nevoid Basal Cell Carcinoma Syndrome; Basal cell nevus syndrome. Identifiers: Orphanet 377, MedGen C0004779, MONDO:0007187.

Allele frequency attached by ClinVar (database versions not stated): gnomAD exomes 0.00001; TOPMed 0.00001.
gnomAD v4.1: 5 of 1,614,210 alleles (0.00031%); highest among the groups gnomAD compares: Admixed American, 0.005%; no homozygotes.

Submissions (2):

Labcorp Genetics (formerly Invitae), Labcorp
Classification: Likely benign for Gorlin syndrome. Last evaluated: 2025-06-04. Review status: criteria provided, single submitter. Criteria: Invitae Variant Classification Sherloc (09022015). Collection method: clinical testing. Allele origin: germline.

Ambry Genetics
Classification: Uncertain significance for Hereditary cancer-predisposing syndrome. Last evaluated: 2025-03-03. Review status: criteria provided, single submitter. Criteria: Ambry Variant Classification Scheme 2023. Collection method: clinical testing. Allele origin: germline.
Comment: The p.T708I variant (also known as c.2123C>T), located in coding exon 14 of the PTCH1 gene, results from a C to T substitution at nucleotide position 2123. The threonine at codon 708 is replaced by isoleucine, an amino acid with similar properties. This amino acid position is highly conserved in available vertebrate species. In addition, this alteration is predicted to be deleterious by in silico analysis. Based on the available evidence, the clinical significance of this variant remains unclear.